The following is an entry in ClinVar:

ClinVar aggregate classification (germline): Conflicting classifications of pathogenicity. Review status: criteria provided, conflicting classifications (1 of 4 stars). 3 submissions from 3 submitters: Likely pathogenic (1); Uncertain significance (1). 1 of the submissions does not count toward it. Last evaluated 2026-02-05.

Conditions:
Dyskeratosis congenita. Identifiers: Orphanet 1775, MedGen C0265965, MONDO:0015780.
Idiopathic Pulmonary Fibrosis. Also called: Idiopathic fibrosing alveolitis, chronic form; idiopathic fibrosing alveolitis. Identifiers: Orphanet 2032, MedGen C1800706, MeSH D054990, MONDO:0800504.
Dyskeratosis congenita, autosomal dominant 2. Identifiers: MedGen C3151443, MONDO:0013521, OMIM 613989.
Pulmonary fibrosis. Identifiers: MedGen C0034069, MONDO:0002771, HP:0002206.

Submissions (3):

Ambry Genetics
Classification: Uncertain significance for Dyskeratosis congenita. Last evaluated: 2026-02-05. Review status: criteria provided, single submitter. Criteria: Ambry Variant Classification Scheme 2023. Collection method: clinical testing. Allele origin: germline.
Comment: The p.A98D variant (also known as c.293C>A), located in coding exon 2 of the TERT gene, results from a C to A substitution at nucleotide position 293. The alanine at codon 98 is replaced by aspartic acid, an amino acid with dissimilar properties. This variant was reported in one individual with pulmonary fibrosis and telomere length less than the first percentile (Newton CA et al. Eur Respir J, 2016 Dec;48:1710-1720). This amino acid position is well conserved in available vertebrate species. In addition, this alteration is predicted to be deleterious by in silico analysis. Based on the available evidence, the clinical significance of this alteration remains unclear.

Labcorp Genetics (formerly Invitae), Labcorp
Classification: Likely pathogenic for Dyskeratosis congenita, autosomal dominant 2; Idiopathic Pulmonary Fibrosis. Last evaluated: 2024-07-29. Review status: criteria provided, single submitter. Criteria: Invitae Variant Classification Sherloc (09022015). Collection method: clinical testing. Allele origin: germline.
Comment: This sequence change replaces alanine, which is neutral and non-polar, with aspartic acid, which is acidic and polar, at codon 98 of the TERT protein (p.Ala98Asp). This variant is not present in population databases (gnomAD no frequency). This missense change has been observed in individuals with idiopathic pulmonary fibrosis (Invitae). ClinVar contains an entry for this variant (Variation ID: 1695959). Advanced modeling of protein sequence and biophysical properties (such as structural, functional, and spatial information, amino acid conservation, physicochemical variation, residue mobility, and thermodynamic stability) performed at Invitae indicates that this missense variant is expected to disrupt TERT protein function with a positive predictive value of 95%. In summary, the currently available evidence indicates that the variant is pathogenic, but additional data are needed to prove that conclusively. Therefore, this variant has been classified as Likely Pathogenic.

Garcia Pulmonary Genetics Research Laboratory, Columbia University Irving Medical Center
Classification: Likely risk allele for Pulmonary fibrosis. Last evaluated: 2022-06-09. Review status: no assertion criteria provided. Collection method: research. Allele origin: germline. Affected: yes. Not counted in ClinVar's aggregate classification.
Comment: Leukocyte telomere length (by qPCR) less than 10th percentile age-adjusted

Literature cited by the submitters: PubMed 27540018 (cited by Ambry Genetics).

NM_198253.3(TERT):c.293C>A (p.Ala98Asp)

Gene: TERT (telomerase reverse transcriptase; minus strand). Cytogenetic location: 5p15.33.
Variant type: single nucleotide variant.
Coding change: c.293C>A on transcript NM_198253.3 (MANE Select); coding-DNA position 293, C replaced by A.
Protein change: p.Ala98Asp; replaces alanine 98 with aspartic acid.
Molecular consequence: missense variant. On other transcripts: non-coding transcript variant (2).
Genome position (GRCh38, 1-based): chr5:1,294,593, G>T on the plus strand (C>A on the coding strand, the complement: TERT is on the minus strand). VCF-style: chr5-1294593-G-T. GRCh37 (hg19) VCF-style: chr5-1294708-G-T.
Other names: p.Ala98Asp; c.293C>A, p.Ala98Asp (NM_001193376.3); c.293C>A (NM_198253.2); short protein forms A98D.
Identifiers: ClinVar variation 1695959 (VCV001695959.5), dbSNP rs2478430098, ClinGen allele CA359058471.